The following is an entry in ClinVar:

NM_001376256.1(CRYM):c.741C>T (p.Tyr247=)

Gene: CRYM (crystallin mu; minus strand). Cytogenetic location: 16p12.2.
Variant type: single nucleotide variant.
Coding change: c.741C>T on transcript NM_001376256.1 (MANE Select); coding-DNA position 741, C replaced by T.
Protein change: p.Tyr247=; no amino-acid change (tyrosine 247 retained).
Molecular consequence: synonymous variant.
Genome position (GRCh38, 1-based): chr16:21,262,091, G>A on the plus strand (C>T on the coding strand, the complement: CRYM is on the minus strand). VCF-style: chr16-21262091-G-A. GRCh37 (hg19) VCF-style: chr16-21273412-G-A.
Other names: p.Tyr247=; c.741C>T, p.Tyr247= (NM_001888.5).
Identifiers: ClinVar variation 163002 (VCV000163002.16), dbSNP rs34045013, ClinGen allele CA175585.
Genomic context (GRCh38, chr16:21,262,091, plus strand): 5'-CCTCACCCCTGACAGCAGGACATCTCCAGACTCCTTCAGGGCAGCCTCCTGGGAATCCAC[G>A]TACAGCACAGCTTCTTTCATGAGCTCATCATCCAGTTCTCTCCAGTCAGGTCTGCTGGCT-3'
Protein context (NP_001363185.1, residues 237-257): DDELMKEAVL[Tyr247=]VDSQEAALKE

ClinVar aggregate classification (germline): Benign. Review status: criteria provided, multiple submitters, no conflicts (2 of 4 stars). 6 submissions from 6 submitters: Benign (6). Last evaluated 2025-12-20.

Conditions:
Autosomal dominant nonsyndromic hearing loss 40. Also called: Deafness, autosomal dominant 40. Identifiers: Orphanet 90635, MedGen C4084708, MONDO:0014603, OMIM 616357.

Allele frequency attached by ClinVar (database versions not stated): gnomAD 0.01064; TOPMed 0.01206; 1000 Genomes Project 0.01278; 1000 Genomes Project 30x 0.01359; ESP Exome Variant Server 0.01369.
gnomAD v4.1: 3,229 of 1,614,110 alleles (0.2%); highest among the groups gnomAD compares: African/African-American, 3.8%; 55 homozygotes.

Submissions (6):

Labcorp Genetics (formerly Invitae), Labcorp
Classification: Benign. Last evaluated: 2025-12-20. Review status: criteria provided, single submitter. Criteria: Invitae Variant Classification Sherloc (09022015). Collection method: clinical testing. Allele origin: germline.

Mayo Clinic Laboratories, Mayo Clinic
Classification: Benign. Last evaluated: 2022-03-02. Review status: criteria provided, single submitter. Criteria: ACMG Guidelines, 2015. Collection method: clinical testing. Allele origin: germline. Observed: 2 variant alleles.
Comment: BA1, BS2

Fulgent Genetics
Classification: Benign for Autosomal dominant nonsyndromic hearing loss 40. Last evaluated: 2021-09-08. Review status: criteria provided, single submitter. Criteria: ACMG Guidelines, 2015. Collection method: clinical testing. Allele origin: unknown.

GeneDx
Classification: Benign. Last evaluated: 2018-03-12. Review status: criteria provided, single submitter. Criteria: GeneDx Variant Classification (06012015). Collection method: clinical testing. Allele origin: germline. Affected: yes.
Comment: This variant is considered likely benign or benign based on one or more of the following criteria: it is a conservative change, it occurs at a poorly conserved position in the protein, it is predicted to be benign by multiple in silico algorithms, and/or has population frequency not consistent with disease.

Laboratory for Molecular Medicine, Mass General Brigham Personalized Medicine
Classification: Benign. Last evaluated: 2012-05-07. Review status: criteria provided, single submitter. Criteria: LMM Criteria. Collection method: clinical testing. Allele origin: germline. Observed: 5 variant alleles.
Comment: "Tyr247Tyr in Exon 08 of CRYM: This variant is not expected to have clinical sig nificance because it does not alter an amino acid residue, is not located within the splice consensus sequence, and has been identified in 4.0% (150/3738) of Af rican American chromosomes from a broad population by the NHLBI Exome Sequencing Project (dbSNP rs34045013)."

PreventionGenetics, part of Exact Sciences
Classification: Benign. Review status: criteria provided, single submitter. Criteria: ACMG Guidelines, 2015. Collection method: clinical testing. Allele origin: germline.